The following is an entry in ClinVar:

ClinVar aggregate classification (germline): Uncertain significance (1 of 4 stars; one submission).

Submission:

Labcorp Genetics (formerly Invitae), Labcorp
Classification: Uncertain significance. Last evaluated: 2022-07-26. Review status: criteria provided, single submitter. Criteria: Invitae Variant Classification Sherloc (09022015). Collection method: clinical testing. Allele origin: germline.
Comment: This variant has not been reported in the literature in individuals affected with SHROOM4-related conditions. ClinVar contains an entry for this variant (Variation ID: 1007294). Algorithms developed to predict the effect of missense changes on protein structure and function (SIFT, PolyPhen-2, Align-GVGD) all suggest that this variant is likely to be tolerated. In summary, the available evidence is currently insufficient to determine the role of this variant in disease. Therefore, it has been classified as a Variant of Uncertain Significance. This sequence change replaces alanine, which is neutral and non-polar, with threonine, which is neutral and polar, at codon 366 of the SHROOM4 protein (p.Ala366Thr). This variant is not present in population databases (gnomAD no frequency).

NM_020717.5(SHROOM4):c.1096G>A (p.Ala366Thr)

Gene: SHROOM4 (shroom family member 4; minus strand). Cytogenetic location: Xp11.22.
Variant type: single nucleotide variant.
Coding change: c.1096G>A on transcript NM_020717.5 (MANE Select); coding-DNA position 1096, G replaced by A.
Protein change: p.Ala366Thr; replaces alanine 366 with threonine.
Molecular consequence: missense variant. On other transcripts: non-coding transcript variant (4).
Genome position (GRCh38, 1-based): chrX:50,634,977, C>T on the plus strand (G>A on the coding strand, the complement: SHROOM4 is on the minus strand). VCF-style: chrX-50634977-C-T. GRCh37 (hg19) VCF-style: chrX-50377977-C-T.
Other names: short protein forms A366T.
Identifiers: ClinVar variation 1007294 (VCV001007294.8), dbSNP rs1931273603, ClinGen allele CA413122669.